The following is an entry in ClinVar:

ClinVar aggregate classification (germline): Uncertain significance (1 of 4 stars; one submission).

Submission:

GeneDx
Classification: Uncertain significance. Last evaluated: 2024-01-25. Review status: criteria provided, single submitter. Criteria: GeneDx Variant Classification Process June 2021. Collection method: clinical testing. Allele origin: germline. Affected: yes.
Comment: Not observed at significant frequency in large population cohorts (gnomAD); In silico analysis supports that this missense variant has a deleterious effect on protein structure/function; Has not been previously published as pathogenic or benign to our knowledge

NM_000748.3(CHRNB2):c.740T>C (p.Leu247Pro)

Gene: CHRNB2 (cholinergic receptor nicotinic beta 2 subunit; plus strand). Cytogenetic location: 1q21.3.
Variant type: single nucleotide variant.
Coding change: c.740T>C on transcript NM_000748.3 (MANE Select); coding-DNA position 740, T replaced by C.
Protein change: p.Leu247Pro; replaces leucine 247 with proline.
Molecular consequence: missense variant.
Genome position (GRCh38, 1-based): chr1:154,571,563, T>C. VCF-style: chr1-154571563-T-C. GRCh37 (hg19) VCF-style: chr1-154544039-T-C.
Other names: short protein forms L247P.
Identifiers: ClinVar variation 3338704 (VCV003338704.1).